The following is an entry in ClinVar:

NC_000016.10:g.(?_15703971)_(15838272_?)del

Genes: NDE1 (nudE neurodevelopment protein 1; plus strand), MYH11 (myosin heavy chain 11; minus strand), LOC113939949 (Sharpr-MPRA regulatory region 5546; plus strand). Cytogenetic location: 16p13.11.
Variant type: Deletion.
Identifiers: ClinVar variation 465702 (VCV000465702.2).

ClinVar aggregate classification (germline): Pathogenic (1 of 4 stars; one submission).

Conditions:
Aortic aneurysm, familial thoracic 4 (AAT4). Also called: AORTIC ANEURYSM/AORTIC DISSECTION AND PATENT DUCTUS ARTERIOSUS. Identifiers: MedGen C1851504, MONDO:0007568, OMIM 132900.

Submission:

Labcorp Genetics (formerly Invitae), Labcorp
Classification: Pathogenic for Aortic aneurysm, familial thoracic 4. Last evaluated: 2019-07-09. Review status: criteria provided, single submitter. Criteria: Invitae Variant Classification Sherloc (09022015). Collection method: clinical testing. Allele origin: germline.
Comment: A gross deletion of the genomic region encompassing the full coding sequence of the MYH11 gene has been identified. The boundaries of this event are unknown as the deletion extends beyond the assayed region for this gene and therefore may encompass additional genes. Isolated whole-gene deletions of MYH11 have not been reported in the literature. However, larger copy number events that include this gene have been reported (PMID: 27884122, 29179725, 22318994). Loss-of-function variants in MYH11 are known to be pathogenic (PMID: 25407000, 29575632). For these reasons, this variant has been classified as Pathogenic.

Literature cited by the submitters: PubMed 27884122; PubMed 22318994; PubMed 29179725.